The following is an entry in ClinVar:

ClinVar aggregate classification (germline): Likely pathogenic. Review status: criteria provided, single submitter (1 of 4 stars). 2 submissions from 2 submitters: Likely pathogenic (1). 1 of the submissions does not count toward it. Last evaluated 2022-06-29.

Conditions:
Migraine, familial hemiplegic, 2. Identifiers: Orphanet 569, MedGen C1865322, MONDO:0011232, OMIM 602481.

Submissions (2):

Laboratory of Medical Genetics, National & Kapodistrian University of Athens
Classification: Likely pathogenic for Migraine, familial hemiplegic, 2. Last evaluated: 2022-06-29. Review status: criteria provided, single submitter. Criteria: ACMG Guidelines, 2015. Collection method: clinical testing. Allele origin: germline. Affected: yes.
Comment: PM2, PM5, PP3, PP5

OMIM
Classification: Pathogenic for MIGRAINE, FAMILIAL HEMIPLEGIC, 2. Last evaluated: 2012-01-13. Review status: no assertion criteria provided. Collection method: literature only. Allele origin: germline. Not counted in ClinVar's aggregate classification.

Literature cited by the submitters: PubMed 12953268 (cited by OMIM); PubMed 16037212 (cited by OMIM); PubMed 17952365 (cited by OMIM); PubMed 22117059 (cited by OMIM).

NM_000702.4(ATP1A2):c.2192T>C (p.Met731Thr)

Gene: ATP1A2 (ATPase Na+/K+ transporting subunit alpha 2; plus strand). Cytogenetic location: 1q23.2.
Variant type: single nucleotide variant.
Coding change: c.2192T>C on transcript NM_000702.4 (MANE Select); coding-DNA position 2192, T replaced by C.
Protein change: p.Met731Thr; replaces methionine 731 with threonine.
Molecular consequence: missense variant.
Genome position (GRCh38, 1-based): chr1:160,135,510, T>C. VCF-style: chr1-160135510-T-C. GRCh37 (hg19) VCF-style: chr1-160105300-T-C.
Other names: short protein forms M731T.
Identifiers: ClinVar variation 12919 (VCV000012919.2), dbSNP rs28933400, ClinGen allele CA256631.